The following is an entry in ClinVar:

ClinVar aggregate classification (germline): Uncertain significance. Review status: criteria provided, multiple submitters, no conflicts (2 of 4 stars). 2 submissions from 2 submitters: Uncertain significance (2). Last evaluated 2025-06-17.

Conditions:
KIDINS220-related disorder. Also called: KIDINS220-related condition.

Allele frequency attached by ClinVar (database versions not stated): TOPMed 0.00001.

Submissions (2):

PreventionGenetics, part of Exact Sciences
Classification: Uncertain significance for KIDINS220-related condition. Last evaluated: 2025-06-17. Review status: criteria provided, single submitter. Criteria: ACMG Guidelines, 2015. Collection method: clinical testing. Allele origin: germline.
Comment: The KIDINS220 c.4411T>C variant is predicted to result in the amino acid substitution p.Ser1471Pro. To our knowledge, this variant has not been reported in the literature or in a large population database, indicating this variant is rare. At this time, the clinical significance of this variant is uncertain due to the absence of conclusive functional and genetic evidence.

Labcorp Genetics (formerly Invitae), Labcorp
Classification: Uncertain significance. Last evaluated: 2023-02-14. Review status: criteria provided, single submitter. Criteria: Invitae Variant Classification Sherloc (09022015). Collection method: clinical testing. Allele origin: germline.
Comment: Algorithms developed to predict the effect of missense changes on protein structure and function are either unavailable or do not agree on the potential impact of this missense change (SIFT: "Deleterious"; PolyPhen-2: "Benign"; Align-GVGD: "Class C0"). This variant has not been reported in the literature in individuals affected with KIDINS220-related conditions. This variant is not present in population databases (gnomAD no frequency). This sequence change replaces serine, which is neutral and polar, with proline, which is neutral and non-polar, at codon 1471 of the KIDINS220 protein (p.Ser1471Pro). In summary, the available evidence is currently insufficient to determine the role of this variant in disease. Therefore, it has been classified as a Variant of Uncertain Significance.

NM_020738.4(KIDINS220):c.4411T>C (p.Ser1471Pro)

Gene: KIDINS220 (kinase D interacting substrate 220; minus strand). Cytogenetic location: 2p25.1.
Variant type: single nucleotide variant.
Coding change: c.4411T>C on transcript NM_020738.4 (MANE Select); coding-DNA position 4411, T replaced by C.
Protein change: p.Ser1471Pro; replaces serine 1471 with proline.
Molecular consequence: missense variant. On other transcripts: intron variant (6).
Genome position (GRCh38, 1-based): chr2:8,731,625, A>G on the plus strand (T>C on the coding strand, the complement: KIDINS220 is on the minus strand). VCF-style: chr2-8731625-A-G. GRCh37 (hg19) VCF-style: chr2-8871755-A-G.
Other names: c.4411T>C (NM_020738.2); c.4414T>C, p.Ser1472Pro (NM_001348729.2); c.4357T>C, p.Ser1453Pro (NM_001348731.2); c.4354T>C, p.Ser1452Pro (NM_001348732.2); c.4243T>C, p.Ser1415Pro (NM_001348734.2); c.4240T>C, p.Ser1414Pro (NM_001348735.2); c.4114T>C, p.Ser1372Pro (NM_001348736.2); c.3882+1819T>C (NM_001348741.2, NM_001348742.2, NM_001348743.2); and 2 more; short protein forms S1472P, S1415P, S1452P, S1453P, S1471P, S1372P, S1414P.
Identifiers: ClinVar variation 2989969 (VCV002989969.5), dbSNP rs1664106293, ClinGen allele CA345764668.